The following is an entry in ClinVar:

ClinVar aggregate classification (germline): Conflicting classifications of pathogenicity. Review status: criteria provided, conflicting classifications (1 of 4 stars). 2 submissions from 2 submitters: Likely pathogenic (1); Uncertain significance (1). Last evaluated 2025-07-09.

Conditions:
Autosomal recessive nonsyndromic hearing loss 77. Identifiers: Orphanet 90636, MedGen C2746083, MONDO:0013119, OMIM 613079.

Submissions (2):

Natera, Inc.
Classification: Likely pathogenic for Autosomal recessive deafness type 77. Last evaluated: 2025-07-09. Review status: criteria provided, single submitter. Criteria: Natera Variant Classification Schema (03/2026). Collection method: clinical testing. Allele origin: germline.
Comment: The c.6162_6164delCTT variant in LOXHD1 is an in-frame deletion predicted to remove phenylalanine at amino acid 2055 while preserving the reading frame. This variant is rare in the general population with a frequency below the threshold expected for the associated phenotype(s). This variant has been observed in one or more individuals affected with the associated recessive disease, as either homozygous or compound heterozygous with a second variant (PMID: 26969326). This variant results in a change to the protein length while preserving reading frame, which may disrupt normal protein structure or function. Given the available evidence, this variant is classified as Likely Pathogenic.

Labcorp Genetics (formerly Invitae), Labcorp
Classification: Uncertain significance. Last evaluated: 2022-03-10. Review status: criteria provided, single submitter. Criteria: Invitae Variant Classification Sherloc (09022015). Collection method: clinical testing. Allele origin: germline.
Comment: This variant, c.6162_6164del, results in the deletion of 1 amino acid(s) of the LOXHD1 protein (p.Phe2055del), but otherwise preserves the integrity of the reading frame. This variant is not present in population databases (gnomAD no frequency). This variant has been observed in individual(s) with nonsyndromic deafness (PMID: 26969326). This variant is also known as c.3015_3017delCTT. Experimental studies and prediction algorithms are not available or were not evaluated, and the functional significance of this variant is currently unknown. In summary, the available evidence is currently insufficient to determine the role of this variant in disease. Therefore, it has been classified as a Variant of Uncertain Significance.

Literature cited by the submitters: PubMed 26969326 (cited by Natera, Inc. and Labcorp Genetics (formerly Invitae), Labcorp).

NM_001384474.1(LOXHD1):c.6345CTT[1] (p.Phe2117del)

Gene: LOXHD1 (lipoxygenase homology PLAT domains 1; minus strand). Cytogenetic location: 18q21.1.
Variant type: Microsatellite.
Coding change: c.6345CTT[1] on transcript NM_001384474.1 (MANE Select); one copy of the 3-base unit CTT starting at c.6345; the reference has two copies in a row; one copy, 3 bases deleted.
Protein change: p.Phe2117del; deletes phenylalanine 2117.
Molecular consequence: inframe deletion.
Genome position (GRCh38, 1-based): chr18:46,477,944-46,477,946, AAG deleted on the plus strand (CTT on the coding strand, the reverse complement: LOXHD1 is on the minus strand); deleting any 3 consecutive bases within chr18:46,477,944-46,477,949 gives the same sequence; the position shown is the placement nearest the transcript's 3' end. VCF-style (leftmost placement, unchanged base first): chr18-46477943-AAAG-A. GRCh37 (hg19) VCF-style: chr18-44057906-AAAG-A.
Other names: c.3012CTT[1], p.Phe1006del (NM_001145472.3); c.1062CTT[1], p.Phe356del (NM_001145473.3, NM_001173129.2); c.2724CTT[1], p.Phe910del (NM_001308013.2); c.6159CTT[1], p.Phe2055del (NM_144612.7); c.6162_6164delCTT (NM_144612.6); short protein forms F1006del, F356del, F2117del, F2055del, F910del.
Identifiers: ClinVar variation 1444414 (VCV001444414.6), dbSNP rs2143430776, ClinGen allele CA658653642.
Genomic context (GRCh38, chr18:46,477,943, plus strand): 5'-AACCTCGAATACCTTGAAGTACTTCCTCTTCCTCTTGAGGGGGATGAGGCAGTCACAGTT[AAAG>A]AAGTACCTGGCAGAGAGGTGGGAGAGTGGAGGGGTAGGGGCTAAGCAGACCCCAGCCGAG-3'